The following is an entry in ClinVar:

NM_003477.3(PDHX):c.838G>A (p.Ala280Thr)

Gene: PDHX (pyruvate dehydrogenase complex component X; plus strand). Cytogenetic location: 11p13.
Variant type: single nucleotide variant.
Coding change: c.838G>A on transcript NM_003477.3 (MANE Select); coding-DNA position 838, G replaced by A.
Protein change: p.Ala280Thr; replaces alanine 280 with threonine.
Molecular consequence: missense variant. On other transcripts: intron variant (1).
Genome position (GRCh38, 1-based): chr11:34,970,160, G>A. VCF-style: chr11-34970160-G-A. GRCh37 (hg19) VCF-style: chr11-34991707-G-A.
Other names: c.343-14410G>A (NM_001166158.2); c.658G>A, p.Ala220Thr (NM_001135024.2); short protein forms A280T, A220T.
Identifiers: ClinVar variation 850125 (VCV000850125.9), dbSNP rs375993336, ClinGen allele CA5946021.
Genomic context (GRCh38, chr11:34,970,160, plus strand): 5'-CACTTGTGGTTTAACGGACAGGTTGCTGTCTTTTTGCAGGGCACATTCACTGAAATCCCC[G>A]CCAGCAATATTCGAAGAGTTATTGCCAAGAGATTAACTGAATCTAAAAGTACTGTACCTC-3'
Protein context (NP_003468.2, residues 270-290): NAVGTFTEIP[Ala280Thr]SNIRRVIAKR

ClinVar aggregate classification (germline): Uncertain significance. Review status: criteria provided, multiple submitters, no conflicts (2 of 4 stars). 3 submissions from 3 submitters: Uncertain significance (3). Last evaluated 2024-08-14.

Conditions:
Inborn genetic diseases. Identifiers: MedGen C0950123, MeSH D030342.

Allele frequency attached by ClinVar (database versions not stated): gnomAD exomes 0.00004 and 0.00008; ESP Exome Variant Server 0.00008; ExAC 0.00009; gnomAD 0.00016 and 0.00019; TOPMed 0.00021.
gnomAD v4.1: 87 of 1,613,194 alleles (0.0054%); highest among the groups gnomAD compares: African/African-American, 0.071%; no homozygotes.

Submissions (3):

Labcorp Genetics (formerly Invitae), Labcorp
Classification: Uncertain significance. Last evaluated: 2024-08-14. Review status: criteria provided, single submitter. Criteria: Invitae Variant Classification Sherloc (09022015). Collection method: clinical testing. Allele origin: germline.
Comment: This sequence change replaces alanine, which is neutral and non-polar, with threonine, which is neutral and polar, at codon 280 of the PDHX protein (p.Ala280Thr). This variant is present in population databases (rs375993336, gnomAD 0.08%). This variant has not been reported in the literature in individuals affected with PDHX-related conditions. ClinVar contains an entry for this variant (Variation ID: 850125). Invitae Evidence Modeling of protein sequence and biophysical properties (such as structural, functional, and spatial information, amino acid conservation, physicochemical variation, residue mobility, and thermodynamic stability) indicates that this missense variant is not expected to disrupt PDHX protein function with a negative predictive value of 80%. In summary, the available evidence is currently insufficient to determine the role of this variant in disease. Therefore, it has been classified as a Variant of Uncertain Significance.

GeneDx
Classification: Uncertain significance. Last evaluated: 2023-03-01. Review status: criteria provided, single submitter. Criteria: GeneDx Variant Classification Process June 2021. Collection method: clinical testing. Allele origin: germline. Affected: yes.
Comment: Has not been previously published as pathogenic or benign to our knowledge; In silico analysis supports that this missense variant does not alter protein structure/function

Ambry Genetics
Classification: Uncertain significance for Inborn genetic diseases. Last evaluated: 2022-07-27. Review status: criteria provided, single submitter. Criteria: Ambry Variant Classification Scheme 2023. Collection method: clinical testing. Allele origin: germline.